The following is an entry in ClinVar:

ClinVar aggregate classification (germline): Uncertain significance (1 of 4 stars; one submission).

Conditions:
Developmental and epileptic encephalopathy, 36 (DEE36). Also called: Epileptic encephalopathy, early infantile, 36; ALG13-CDG; Congenital disorder of glycosylation, type Is. Identifiers: Orphanet 324422, MedGen C4317295, MONDO:0010472, OMIM 300884.

Allele frequency attached by ClinVar (database versions not stated): gnomAD exomes below 0.00001; gnomAD 0.00001.
gnomAD v4.1: 2 of 1,205,570 alleles (0.00017%); highest among the groups gnomAD compares: South Asian, 0.0018%; no homozygotes.

Submissions (2):

Labcorp Genetics (formerly Invitae), Labcorp
Classification: Uncertain significance for Developmental and epileptic encephalopathy, 36. Last evaluated: 2021-11-10. Review status: criteria provided, single submitter. Criteria: Invitae Variant Classification Sherloc (09022015). Collection method: clinical testing. Allele origin: germline.
Comment: In summary, the available evidence is currently insufficient to determine the role of this variant in disease. Therefore, it has been classified as a Variant of Uncertain Significance. Algorithms developed to predict the effect of sequence changes on RNA splicing suggest that this variant may disrupt the consensus splice site. Algorithms developed to predict the effect of missense changes on protein structure and function are either unavailable or do not agree on the potential impact of this missense change (SIFT: "Tolerated"; PolyPhen-2: "Possibly Damaging"; Align-GVGD: "Class C0"). This variant has not been reported in the literature in individuals affected with ALG13-related conditions. This variant is not present in population databases (gnomAD no frequency). This sequence change replaces arginine, which is basic and polar, with glycine, which is neutral and non-polar, at codon 128 of the ALG13 protein (p.Arg128Gly).

Dr. Peter K. Rogan Lab, Western University
No classification provided (evidence only). Condition: Thyroid cancer, nonmedullary, 1. Review status: no classification provided. Collection method: in vitro. Allele origin: not applicable. Functional consequence: retained intron. Not counted in ClinVar's aggregate classification.

NM_001099922.3(ALG13):c.382A>G (p.Arg128Gly)

Gene: ALG13 (ALG13 UDP-N-acetylglucosaminyltransferase subunit; plus strand). Cytogenetic location: Xq23.
Variant type: single nucleotide variant.
Coding change: c.382A>G on transcript NM_001099922.3 (MANE Select); coding-DNA position 382, A replaced by G.
Protein change: p.Arg128Gly; replaces arginine 128 with glycine.
Molecular consequence: missense variant. On other transcripts: non-coding transcript variant (3).
Genome position (GRCh38, 1-based): chrX:111,685,102, A>G. VCF-style: chrX-111685102-A-G. GRCh37 (hg19) VCF-style: chrX-110928330-A-G.
Other names: c.323A>G, p.Gln108Arg (NM_001039210.5); c.382A>G, p.Ser128Gly (NM_001168385.3, NM_018466.6); c.70A>G, p.Arg24Gly (NM_001257230.2, NM_001257234.2, NM_001257237.2 and 1 more transcripts); c.148A>G, p.Arg50Gly (NM_001257231.2); c.70A>G, p.Ser24Gly (NM_001257235.3, NM_001257239.3, NM_001257240.3 and 2 more transcripts); c.148A>G, p.Ser50Gly (NM_001257241.3); c.388A>G, p.Ser130Gly (NM_001324290.2); c.382A>G, p.Arg128Gly (NM_001324292.2); short protein forms R50G, S130G, R24G, S128G, S24G, S50G, Q108R, R128G.
Identifiers: ClinVar variation 1487986 (VCV001487986.7), dbSNP rs1934600580, ClinGen allele CA414248837.